The following is an entry in ClinVar:

ClinVar aggregate classification (germline): Uncertain significance. Review status: criteria provided, multiple submitters, no conflicts (2 of 4 stars). 2 submissions from 2 submitters: Uncertain significance (2). Last evaluated 2025-12-24.

Allele frequency attached by ClinVar (database versions not stated): gnomAD 0.00005; ExAC 0.00009; 1000 Genomes Project 0.00040; 1000 Genomes Project 30x 0.00047.
gnomAD v4.1: 64 of 1,559,474 alleles (0.0041%); highest among the groups gnomAD compares: Admixed American, 0.011%; no homozygotes.

Submissions (2):

Labcorp Genetics (formerly Invitae), Labcorp
Classification: Uncertain significance. Last evaluated: 2025-12-24. Review status: criteria provided, single submitter. Criteria: Invitae Variant Classification Sherloc (09022015). Collection method: clinical testing. Allele origin: germline.
Comment: This sequence change replaces valine, which is neutral and non-polar, with isoleucine, which is neutral and non-polar, at codon 83 of the FBN3 protein (p.Val83Ile). This variant is present in population databases (rs532677935, gnomAD 0.007%). This variant has not been reported in the literature in individuals affected with FBN3-related conditions. ClinVar contains an entry for this variant (Variation ID: 2078091). An algorithm developed to predict the effect of missense changes on protein structure and function outputs the following: PolyPhen-2: "Benign". The isoleucine amino acid residue is found in multiple mammalian species, which suggests that this missense change does not adversely affect protein function. In summary, the available evidence is currently insufficient to determine the role of this variant in disease. Therefore, it has been classified as a Variant of Uncertain Significance.

Ambry Genetics
Classification: Uncertain significance. Last evaluated: 2024-06-11. Review status: criteria provided, single submitter. Criteria: Ambry Variant Classification Scheme 2023. Collection method: clinical testing. Allele origin: germline.

NM_032447.5(FBN3):c.247G>A (p.Val83Ile)

Gene: FBN3 (fibrillin 3; minus strand). Cytogenetic location: 19p13.2.
Variant type: single nucleotide variant.
Coding change: c.247G>A on transcript NM_032447.5 (MANE Select); coding-DNA position 247, G replaced by A.
Protein change: p.Val83Ile; replaces valine 83 with isoleucine.
Molecular consequence: missense variant.
Genome position (GRCh38, 1-based): chr19:8,147,107, C>T on the plus strand (G>A on the coding strand, the complement: FBN3 is on the minus strand). VCF-style: chr19-8147107-C-T. GRCh37 (hg19) VCF-style: chr19-8211991-C-T.
Other names: c.247G>A (NM_032447.3); c.247G>A, p.Val83Ile (NM_001321431.2); short protein forms V83I.
Identifiers: ClinVar variation 2078091 (VCV002078091.5), dbSNP rs532677935, ClinGen allele CA9153821.